The following is an entry in ClinVar:

ClinVar aggregate classification (germline): Benign. Review status: criteria provided, multiple submitters, no conflicts (2 of 4 stars). 4 submissions from 4 submitters: Benign (4). Last evaluated 2021-07-01.

Conditions:
Hereditary fructosuria. Also called: Fructose intolerance; ALDOB DEFICIENCY; ALDOLASE B DEFICIENCY; FRUCTOSE-1,6-BISPHOSPHATE ALDOLASE B DEFICIENCY; FRUCTOSE-1-PHOSPHATE ALDOLASE DEFICIENCY; FRUCTOSEMIA. Identifiers: Orphanet 469, MedGen C0016751, MONDO:0009249, OMIM 229600, HP:0005973. Disease mechanism: loss of function.

Allele frequency attached by ClinVar (database versions not stated): gnomAD 0.41145 and 0.41651; TOPMed 0.41439; 1000 Genomes Project 30x 0.44004; 1000 Genomes Project 0.44189.
gnomAD v4.1: 523,556 of 1,232,772 alleles (42%); highest among the groups gnomAD compares: Admixed American, 57%; 113,899 homozygotes.

Submissions (4):

Genome-Nilou Lab
Classification: Benign for Hereditary fructosuria. Last evaluated: 2021-07-01. Review status: criteria provided, single submitter. Criteria: ACMG Guidelines, 2015. Collection method: clinical testing. Allele origin: germline. Affected: no.

GeneDx
Classification: Benign. Last evaluated: 2018-06-29. Review status: criteria provided, single submitter. Criteria: GeneDx Variant Classification Process June 2021. Collection method: clinical testing. Allele origin: germline. Affected: yes.

Illumina Laboratory Services, Illumina
Classification: Benign for Hereditary fructosuria. Last evaluated: 2018-01-13. Review status: criteria provided, single submitter. Criteria: ICSL Variant Classification Criteria 13 December 2019. Collection method: clinical testing. Allele origin: germline.
Comment: This variant was observed in the ICSL laboratory as part of a predisposition screen in an ostensibly healthy population. It had not been previously curated by ICSL or reported in the Human Gene Mutation Database (HGMD: prior to June 1st, 2018), and was therefore a candidate for classification through an automated scoring system. Utilizing variant allele frequency, disease prevalence and penetrance estimates, and inheritance mode, an automated score was calculated to assess if this variant is too frequent to cause the disease. Based on the score and internal cut-off values, a variant classified as benign is not then subjected to further curation. The score for this variant resulted in a classification of benign for this disease.

Breakthrough Genomics
Classification: Benign. Review status: criteria provided, single submitter. Criteria: ACMG Guidelines, 2015. Collection method: not provided. Allele origin: germline. Inheritance: Autosomal recessive inheritance. Affected: yes.

NM_000035.4(ALDOB):c.*69C>T

Gene: ALDOB (aldolase, fructose-bisphosphate B; minus strand). Cytogenetic location: 9q31.1.
Variant type: single nucleotide variant.
Coding change: c.*69C>T on transcript NM_000035.4 (MANE Select); 69 bases downstream of the stop codon, C replaced by T.
Molecular consequence: 3 prime UTR variant.
Genome position (GRCh38, 1-based): chr9:101,421,740, G>A on the plus strand (C>T on the coding strand, the complement: ALDOB is on the minus strand). VCF-style: chr9-101421740-G-A. GRCh37 (hg19) VCF-style: chr9-104184022-G-A.
Other names: c.*69C>T (LRG_1244t1).
Identifiers: ClinVar variation 364306 (VCV000364306.10), dbSNP rs4577, ClinGen allele CA5161365.
Genomic context (GRCh38, chr9:101,421,740, plus strand): 5'-GATTTAACATGTGTTGTATTTCCAGCAGTTCAAATCTAATTGTGTCGAATTTCCAGGATT[G>A]GAGGAAAAGTTGCTCCCTTTCAGCCCTCCTACTAGAAGCACTGGAGCTAGGCTGGCGGGC-3'